The following is an entry in ClinVar:

ClinVar aggregate classification (germline): Uncertain significance (1 of 4 stars; one submission).

Submission:

Ambry Genetics
Classification: Uncertain significance. Last evaluated: 2024-10-25. Review status: criteria provided, single submitter. Criteria: Ambry Variant Classification Scheme 2023. Collection method: clinical testing. Allele origin: germline.
Comment: The p.I539R variant (also known as c.1616T>G), located in coding exon 11 of the POLQ gene, results from a T to G substitution at nucleotide position 1616. The isoleucine at codon 539 is replaced by arginine, an amino acid with similar properties. This amino acid position is conserved. In addition, the in silico prediction for this alteration is inconclusive. Since supporting evidence is limited at this time, the clinical significance of this alteration remains unclear.

NM_199420.4(POLQ):c.1616T>G (p.Ile539Arg)

Gene: POLQ (DNA polymerase theta; minus strand). Cytogenetic location: 3q13.33.
Variant type: single nucleotide variant.
Coding change: c.1616T>G on transcript NM_199420.4 (MANE Select); coding-DNA position 1616, T replaced by G.
Protein change: p.Ile539Arg; replaces isoleucine 539 with arginine.
Molecular consequence: missense variant.
Genome position (GRCh38, 1-based): chr3:121,510,239, A>C on the plus strand (T>G on the coding strand, the complement: POLQ is on the minus strand). VCF-style: chr3-121510239-A-C. GRCh37 (hg19) VCF-style: chr3-121229086-A-C.
Other names: short protein forms I539R.
Identifiers: ClinVar variation 1776504 (VCV001776504.3), dbSNP rs2546802738, ClinGen allele CA354115324.